The following is an entry in ClinVar:

ClinVar aggregate classification (germline): Uncertain significance. Review status: criteria provided, multiple submitters, no conflicts (2 of 4 stars). 4 submissions from 4 submitters: Uncertain significance (4). Last evaluated 2026-08-05.

Conditions:
Nephronophthisis 9 (NPHP9). Identifiers: Orphanet 655, MedGen C3151188, MONDO:0013444, OMIM 613824.
NEK8-related disorder. Also called: NEK8-related condition.
Renal-hepatic-pancreatic dysplasia 2 (RHPD2). Identifiers: MedGen C3809434, MONDO:0014174, OMIM 615415.
Polycystic kidney disease 8. Identifiers: MedGen C5935640, MONDO:0971178, OMIM 620903.

Submissions (4):

PreventionGenetics, part of Exact Sciences
Classification: Uncertain significance for NEK8-related condition. Last evaluated: 2026-08-05. Review status: criteria provided, single submitter. Criteria: ACMG Guidelines, 2015. Collection method: clinical testing. Allele origin: germline.
Comment: The NEK8 c.1385G>A variant is predicted to result in the amino acid substitution p.Arg462Gln. To our knowledge, this variant has not been reported in the literature. This variant is reported in 0.016% of alleles in individuals of African descent in gnomAD. At this time, the clinical significance of this variant is uncertain due to the absence of conclusive functional and genetic evidence.

Labcorp Genetics (formerly Invitae), Labcorp
Classification: Uncertain significance for Nephronophthisis 9. Last evaluated: 2025-12-24. Review status: criteria provided, single submitter. Criteria: Invitae Variant Classification Sherloc (09022015). Collection method: clinical testing. Allele origin: germline.
Comment: This sequence change replaces arginine, which is basic and polar, with glutamine, which is neutral and polar, at codon 462 of the NEK8 protein (p.Arg462Gln). This variant is present in population databases (rs200577992, gnomAD 0.02%). This variant has not been reported in the literature in individuals affected with NEK8-related conditions. ClinVar contains an entry for this variant (Variation ID: 3581781). An algorithm developed to predict the effect of missense changes on protein structure and function (PolyPhen-2) suggests that this variant is likely to be tolerated. In summary, the available evidence is currently insufficient to determine the role of this variant in disease. Therefore, it has been classified as a Variant of Uncertain Significance.

Clinical Genomics Laboratory, Washington University in St. Louis
Classification: Uncertain significance for Renal-hepatic-pancreatic dysplasia 2. Last evaluated: 2024-08-16. Review status: criteria provided, single submitter. Criteria: ACMG Guidelines, 2015. Collection method: clinical testing. Allele origin: germline.
Comment: A NEK8 c.1385G>A (p.Arg462Gln) variant was identified. This variant, to our knowledge, has not been reported in the medical literature. It is only observed on 24/282,884 alleles in the general population (gnomAD v.2.1.1), indicating it is not a common variant. Computational predictors are uncertain as to the impact of this variant on NEK8 function. Due to limited information, and based on ACMG/AMP guidelines for variant interpretation (Richards S et al., PMID: 25741868), the clinical significance of the NEK8 c.1385G>A (p.Arg462Gln) variant is uncertain at this time.

Fulgent Genetics
Classification: Uncertain significance for Nephronophthisis 9; Renal-hepatic-pancreatic dysplasia 2; Polycystic kidney disease 8. Last evaluated: 2024-04-19. Review status: criteria provided, single submitter. Criteria: ACMG Guidelines, 2015. Collection method: clinical testing. Allele origin: germline.

NM_178170.3(NEK8):c.1385G>A (p.Arg462Gln)

Gene: NEK8 (NIMA related kinase 8; plus strand). Cytogenetic location: 17q11.2.
Variant type: single nucleotide variant.
Coding change: c.1385G>A on transcript NM_178170.3 (MANE Select); coding-DNA position 1385, G replaced by A.
Protein change: p.Arg462Gln; replaces arginine 462 with glutamine.
Molecular consequence: missense variant.
Genome position (GRCh38, 1-based): chr17:28,739,169, G>A. VCF-style: chr17-28739169-G-A. GRCh37 (hg19) VCF-style: chr17-27066187-G-A.
Other names: c.1385G>A (NM_178170.2); short protein forms R462Q.
Identifiers: ClinVar variation 3581781 (VCV003581781.5).